The following is an entry in ClinVar:

NM_001100913.3(PACS2):c.297+7C>G

Gene: PACS2 (phosphofurin acidic cluster sorting protein 2; plus strand). Cytogenetic location: 14q32.33.
Variant type: single nucleotide variant.
Coding change: c.297+7C>G on transcript NM_001100913.3 (MANE Select); 7 bases into the intron after coding-DNA position 297, C replaced by G.
Molecular consequence: intron variant.
Genome position (GRCh38, 1-based): chr14:105,352,474, C>G. VCF-style: chr14-105352474-C-G. GRCh37 (hg19) VCF-style: chr14-105818811-C-G.
Other names: c.96+7C>G (NM_001243127.3); c.297+7C>G (NM_015197.4).
Identifiers: ClinVar variation 1597874 (VCV001597874.22), dbSNP rs924183423, ClinGen allele CA7388312.
Genomic context (GRCh38, chr14:105,352,474, plus strand): 5'-CTGCCCCCCAGTGGACAAGTGGAGACAGACCTGGCCCTGACCTTCTCCTTGCAGGTGAGT[C>G]TTTCACCAGTGGTGACGACACCCTCATCACTGTCCCCTGGGGAGACGGGCCCCCCTCATC-3'

ClinVar aggregate classification (germline): Likely benign. Review status: criteria provided, multiple submitters, no conflicts (2 of 4 stars). 2 submissions from 2 submitters: Likely benign (2). Last evaluated 2025-06-14.

Allele frequency attached by ClinVar (database versions not stated): gnomAD 0.00003 and 0.00004; TOPMed 0.00004.
gnomAD v4.1: 102 of 1,563,538 alleles (0.0065%); highest among the groups gnomAD compares: Non-Finnish European, 0.0088%; no homozygotes.

Submissions (2):

Labcorp Genetics (formerly Invitae), Labcorp
Classification: Likely benign. Last evaluated: 2025-06-14. Review status: criteria provided, single submitter. Criteria: Invitae Variant Classification Sherloc (09022015). Collection method: clinical testing. Allele origin: germline.

CeGaT Center for Human Genetics Tuebingen
Classification: Likely benign. Last evaluated: 2024-10-01. Review status: criteria provided, single submitter. Criteria: CeGaT Center For Human Genetics Tuebingen Variant Classification Criteria Version 2. Collection method: clinical testing. Allele origin: germline. Affected: yes. Observed: 1 variant allele.
Comment: PACS2: BP4